The following is an entry in ClinVar:

NM_144628.4(TBC1D20):c.595G>C (p.Val199Leu)

Gene: TBC1D20 (TBC1 domain family member 20; minus strand). Cytogenetic location: 20p13.
Variant type: single nucleotide variant.
Coding change: c.595G>C on transcript NM_144628.4 (MANE Select); coding-DNA position 595, G replaced by C.
Protein change: p.Val199Leu; replaces valine 199 with leucine.
Molecular consequence: missense variant. On other transcripts: non-coding transcript variant (1).
Genome position (GRCh38, 1-based): chr20:441,619, C>G on the plus strand (G>C on the coding strand, the complement: TBC1D20 is on the minus strand). VCF-style: chr20-441619-C-G. GRCh37 (hg19) VCF-style: chr20-422263-C-G.
Other names: short protein forms V199L.
Identifiers: ClinVar variation 2579611 (VCV002579611.1), dbSNP rs2514580582, ClinGen allele CA407945305.

ClinVar aggregate classification (germline): Uncertain significance (1 of 4 stars; one submission).

Submission:

GeneDx
Classification: Uncertain significance. Last evaluated: 2023-03-09. Review status: criteria provided, single submitter. Criteria: GeneDx Variant Classification Process June 2021. Collection method: clinical testing. Allele origin: germline. Affected: yes.
Comment: Not observed at significant frequency in large population cohorts (gnomAD); In silico analysis supports that this missense variant does not alter protein structure/function; Has not been previously published as pathogenic or benign to our knowledge; This variant is associated with the following publications: (PMID: 24239381)